The following is an entry in ClinVar:

ClinVar aggregate classification (germline): Uncertain significance (1 of 4 stars; one submission).

Allele frequency attached by ClinVar (database versions not stated): gnomAD 0.00002; TOPMed 0.00002; ExAC 0.00003; gnomAD exomes 0.00006.
gnomAD v4.1: 93 of 1,614,020 alleles (0.0058%); highest among the groups gnomAD compares: Non-Finnish European, 0.0075%; no homozygotes.

Submission:

Labcorp Genetics (formerly Invitae), Labcorp
Classification: Uncertain significance. Last evaluated: 2022-07-19. Review status: criteria provided, single submitter. Criteria: Invitae Variant Classification Sherloc (09022015). Collection method: clinical testing. Allele origin: germline.
Comment: This sequence change replaces cysteine, which is neutral and slightly polar, with tyrosine, which is neutral and polar, at codon 1065 of the CDK5RAP2 protein (p.Cys1065Tyr). This variant is present in population databases (rs777420257, gnomAD 0.004%). This variant has not been reported in the literature in individuals affected with CDK5RAP2-related conditions. Algorithms developed to predict the effect of missense changes on protein structure and function are either unavailable or do not agree on the potential impact of this missense change (SIFT: "Tolerated"; PolyPhen-2: "Probably Damaging"; Align-GVGD: "Class C0"). In summary, the available evidence is currently insufficient to determine the role of this variant in disease. Therefore, it has been classified as a Variant of Uncertain Significance.

NM_018249.6(CDK5RAP2):c.3194G>A (p.Cys1065Tyr)

Gene: CDK5RAP2 (CDK5 regulatory subunit associated protein 2; minus strand). Cytogenetic location: 9q33.2.
Variant type: single nucleotide variant.
Coding change: c.3194G>A on transcript NM_018249.6 (MANE Select); coding-DNA position 3194, G replaced by A.
Protein change: p.Cys1065Tyr; replaces cysteine 1065 with tyrosine.
Molecular consequence: missense variant. On other transcripts: non-coding transcript variant (5).
Genome position (GRCh38, 1-based): chr9:120,439,927, C>T on the plus strand (G>A on the coding strand, the complement: CDK5RAP2 is on the minus strand). VCF-style: chr9-120439927-C-T. GRCh37 (hg19) VCF-style: chr9-123202205-C-T.
Other names: c.3194G>A, p.Cys1065Tyr (NM_001011649.3); c.2504G>A, p.Cys835Tyr (NM_001272039.2); c.3095G>A, p.Cys1032Tyr (NM_001410992.1); c.3098G>A, p.Cys1033Tyr (NM_001410993.1); c.3191G>A, p.Cys1064Tyr (NM_001410994.1); short protein forms C1064Y, C1065Y, C1033Y, C835Y, C1032Y.
Identifiers: ClinVar variation 2198220 (VCV002198220.1), dbSNP rs777420257, ClinGen allele CA5213867.